The following is an entry in ClinVar:

NM_005228.5(EGFR):c.24_25dup (p.Ala9fs)

Gene: EGFR (epidermal growth factor receptor; plus strand). Cytogenetic location: 7p11.2.
Variant type: Duplication.
Coding change: c.24_25dup on transcript NM_005228.5 (MANE Select); coding-DNA positions 24 to 25, 2 bases duplicated (GG; older notation c.24_25dupGG).
Protein change: p.Ala9fs; shifts the reading frame from alanine 9.
Molecular consequence: frameshift variant.
Genome position (GRCh38, 1-based): chr7:55,019,301-55,019,302, GG duplicated; duplicating any 2 consecutive bases within chr7:55,019,299-55,019,302 gives the same sequence; the c. name uses the placement nearest the transcript's 3' end. VCF-style (leftmost placement, unchanged base first): chr7-55019298-C-CGG. GRCh37 (hg19) VCF-style: chr7-55086991-C-CGG.
Other names: c.24_25dup, p.Ala9fs (NM_001346897.2, NM_001346898.2, NM_001346899.2 and 4 more transcripts); c.24_25dupGG (NM_005228.3); short protein forms A9fs.
Identifiers: ClinVar variation 4640024 (VCV004640024.1).
Genomic context (GRCh38, chr7:55,019,298, plus strand): 5'-TTGATCGGGAGAGCCGGAGCGAGCTCTTCGGGGAGCAGCGATGCGACCCTCCGGGACGGC[C>CGG]GGGGCAGCGCTCCTGGCGCTGCTGGCTGCGCTCTGCCCGGCGAGTCGGGCTCTGGAGGAA-3'

ClinVar aggregate classification (germline): Uncertain significance (1 of 4 stars; one submission).

Conditions:
Hereditary cancer-predisposing syndrome. Also called: Neoplastic Syndromes, Hereditary; Tumor predisposition; Hereditary Cancer Syndrome; Hereditary neoplastic syndrome. Identifiers: Orphanet 140162, MedGen C0027672, MeSH D009386, MONDO:0015356.

Submission:

Ambry Genetics
Classification: Uncertain significance for Hereditary cancer-predisposing syndrome. Last evaluated: 2025-12-10. Review status: criteria provided, single submitter. Criteria: Ambry Variant Classification Scheme 2023. Collection method: clinical testing. Allele origin: germline.
Comment: The c.24_25dupGG variant, located in coding exon 1 of the EGFR gene, results from a duplication of GG at nucleotide position 24, causing a translational frameshift with a predicted alternate stop codon (p.A9Gfs*72). This alteration is expected to result in loss of function by premature protein truncation or nonsense-mediated mRNA decay. Although biallelic loss of function of EGFR are known to cause EGFR-related neonatal inflammatory skin and bowel disease, such associations with EGFR-related lung cancer have not been reported. Based on the supporting evidence, this variant is expected to be causative of EGFR-related neonatal inflammatory skin and bowel disease when present along with a second pathogenic variant on the other allele; however, its clinical significance for EGFR-related lung cancer is unclear.